The following is an entry in ClinVar:

NM_000135.4(FANCA):c.7G>T (p.Asp3Tyr)

Genes: FANCA (FA complementation group A; minus strand), LOC112486223 (Sharpr-MPRA regulatory region 3988; plus strand). Cytogenetic location: 16q24.3.
Variant type: single nucleotide variant.
Coding change: c.7G>T on transcript NM_000135.4 (MANE Select); coding-DNA position 7, G replaced by T.
Protein change: p.Asp3Tyr; replaces aspartic acid 3 with tyrosine.
Molecular consequence: missense variant.
Genome position (GRCh38, 1-based): chr16:89,816,609, C>A on the plus strand (G>T on the coding strand, the complement: FANCA is on the minus strand). VCF-style: chr16-89816609-C-A. GRCh37 (hg19) VCF-style: chr16-89883017-C-A.
Other names: c.7G>T (LRG_495t1); c.7G>T, p.Asp3Tyr (NM_001018112.3, NM_001286167.3, NM_001351830.2); short protein forms D3Y.
Identifiers: ClinVar variation 572200 (VCV000572200.10), dbSNP rs1246636933, ClinGen allele CA397484654.

ClinVar aggregate classification (germline): Uncertain significance. Review status: criteria provided, single submitter (1 of 4 stars). 2 submissions from 2 submitters: Uncertain significance (1). 1 of the submissions does not count toward it. Last evaluated 2021-09-20.

Conditions:
Fanconi anemia (FA). Also called: Fanconi's anemia. Identifiers: Orphanet 84, MedGen C0015625, MeSH D005199, MONDO:0019391.

Submissions (2):

Labcorp Genetics (formerly Invitae), Labcorp
Classification: Uncertain significance for Fanconi anemia. Last evaluated: 2021-09-20. Review status: criteria provided, single submitter. Criteria: Invitae Variant Classification Sherloc (09022015). Collection method: clinical testing. Allele origin: germline.
Comment: This sequence change replaces aspartic acid with tyrosine at codon 3 of the FANCA protein (p.Asp3Tyr). The aspartic acid residue is weakly conserved and there is a large physicochemical difference between aspartic acid and tyrosine. The frequency data for this variant in the population databases is considered unreliable, as metrics indicate insufficient coverage at this position in the ExAC database. This variant has not been reported in the literature in individuals affected with FANCA-related conditions. Algorithms developed to predict the effect of missense changes on protein structure and function are either unavailable or do not agree on the potential impact of this missense change (SIFT: "Tolerated"; PolyPhen-2: "Probably Damaging"; Align-GVGD: "Class C0"). In summary, the available evidence is currently insufficient to determine the role of this variant in disease. Therefore, it has been classified as a Variant of Uncertain Significance.

Natera, Inc.
Classification: Uncertain significance for Fanconi anemia. Last evaluated: 2019-10-28. Review status: no assertion criteria provided. Collection method: clinical testing. Allele origin: germline. Not counted in ClinVar's aggregate classification.